The following is an entry in ClinVar:

ClinVar aggregate classification (germline): Conflicting classifications of pathogenicity. Review status: criteria provided, conflicting classifications (1 of 4 stars). 10 submissions from 10 submitters: Likely pathogenic (1); Uncertain significance (8). 1 of the submissions does not count toward it. Last evaluated 2026-07-24.

Conditions:
MKS1-related disorder. Also called: MKS1-related condition; MKS1-related disorders. Identifiers: MedGen CN239382.
Meckel syndrome, type 1 (MKS1). Also called: MECKEL-GRUBER SYNDROME, TYPE 1. Identifiers: Orphanet 564, MedGen C3714506, MONDO:0009571, OMIM 249000.
Joubert syndrome 28 (JBTS28). Identifiers: MedGen C4310705, MONDO:0014928, OMIM 617121.
Bardet-Biedl syndrome 13 (BBS13). Identifiers: Orphanet 110, MedGen C2673873, MONDO:0014441, OMIM 615990.
Meckel-Gruber syndrome. Also called: DYSENCEPHALIA SPLANCHNOCYSTICA; GRUBER SYNDROME; Dysencephalia splachnocystica. Identifiers: Orphanet 564, MedGen C0265215, MONDO:0018921.
Joubert syndrome. Also called: JOUBERT-BOLTSHAUSER SYNDROME; Familial aplasia of the vermis. Identifiers: Orphanet 475, MedGen C5979921, MONDO:0018772.

Allele frequency attached by ClinVar (database versions not stated): gnomAD exomes 0.00008 and 0.00018; TOPMed 0.00023; ExAC 0.00024; gnomAD 0.00030 and 0.00034; ESP Exome Variant Server 0.00040.

Submissions (10):

PreventionGenetics, part of Exact Sciences
Classification: Uncertain significance for MKS1-related condition. Last evaluated: 2026-07-24. Review status: criteria provided, single submitter. Criteria: ACMG Guidelines, 2015. Collection method: clinical testing. Allele origin: germline.
Comment: The MKS1 c.496C>T variant is predicted to result in the amino acid substitution p.Arg166Trp. This variant has been reported in the compound heterozygous state in a fetus with suspected Meckel syndrome (Tallila et al. 2009. PubMed ID: 19466712). However, this variant is reported in 0.14% of alleles in individuals of European (Finnish) descent in gnomAD, which may be too frequent to be a primary cause of disease. At this time, the clinical significance of this variant is uncertain due to the absence of conclusive functional and genetic evidence.

Labcorp Genetics (formerly Invitae), Labcorp
Classification: Likely pathogenic for Joubert syndrome; Meckel-Gruber syndrome. Last evaluated: 2026-01-13. Review status: criteria provided, single submitter. Criteria: Invitae Variant Classification Sherloc (09022015). Collection method: clinical testing. Allele origin: germline.
Comment: This sequence change replaces arginine, which is basic and polar, with tryptophan, which is neutral and slightly polar, at codon 166 of the MKS1 protein (p.Arg166Trp). This variant is present in population databases (rs201845154, gnomAD 0.1%). This missense change has been observed in individual(s) with Meckel syndrome (PMID: 19466712). In at least one individual the data is consistent with being in trans (on the opposite chromosome) from a pathogenic variant. ClinVar contains an entry for this variant (Variation ID: 291155). Invitae Evidence Modeling of protein sequence and biophysical properties (such as structural, functional, and spatial information, amino acid conservation, physicochemical variation, residue mobility, and thermodynamic stability) indicates that this missense variant is expected to disrupt MKS1 protein function with a positive predictive value of 80%. Algorithms developed to predict the effect of sequence changes on RNA splicing suggest that this variant may disrupt the consensus splice site. In summary, the currently available evidence indicates that the variant is pathogenic, but additional data are needed to prove that conclusively. Therefore, this variant has been classified as Likely Pathogenic.

Mayo Clinic Laboratories, Mayo Clinic
Classification: Uncertain significance. Last evaluated: 2025-09-25. Review status: criteria provided, single submitter. Criteria: ACMG Guidelines, 2015. Collection method: clinical testing. Allele origin: germline. Observed: 1 variant allele.
Comment: PM3

Women's Health and Genetics/Laboratory Corporation of America, LabCorp
Classification: Uncertain significance. Last evaluated: 2025-05-23. Review status: criteria provided, single submitter. Criteria: LabCorp Variant Classification Summary - May 2015. Collection method: clinical testing. Allele origin: germline.
Comment: Variant summary: MKS1 c.496C>T (p.Arg166Trp) results in a non-conservative amino acid change in the encoded protein sequence. Algorithms developed to predict the effect of missense changes on protein structure and function are either unavailable or do not agree on the potential impact of this missense change. The variant allele was found at a frequency of 9.8e-05 in 1599518 control chromosomes, predominantly at a frequency of 0.001 within the Finnish subpopulation in the gnomAD database. This frequency is somewhat lower than the maximum estimated for a pathogenic variant in MKS1 causing Meckel Syndrome Type 1 (0.0011), allowing no clear conclusion about variant significance. These data do not allow any conclusion about variant significance. To our knowledge, no experimental evidence demonstrating an impact on protein function has been reported. The following publication have been ascertained in the context of this evaluation (PMID: 19466712). ClinVar contains an entry for this variant (Variation ID: 291155). Based on the evidence outlined above, the variant was classified as uncertain significance.

Blueprint Genetics
Classification: Uncertain significance. Last evaluated: 2024-08-19. Review status: criteria provided, single submitter. Criteria: ACMG Guidelines, 2015. Collection method: clinical testing. Allele origin: germline.

Fulgent Genetics
Classification: Uncertain significance for Meckel syndrome, type 1; Bardet-Biedl syndrome 13; Joubert syndrome 28. Last evaluated: 2024-06-18. Review status: criteria provided, single submitter. Criteria: ACMG Guidelines, 2015. Collection method: clinical testing. Allele origin: germline.

GeneDx
Classification: Uncertain significance. Last evaluated: 2022-06-06. Review status: criteria provided, single submitter. Criteria: GeneDx Variant Classification Process June 2021. Collection method: clinical testing. Allele origin: germline. Affected: yes.
Comment: In silico analysis supports that this missense variant has a deleterious effect on protein structure/function; This variant is associated with the following publications: (PMID: 19466712)

Genetic Services Laboratory, University of Chicago
Classification: Uncertain significance. Last evaluated: 2017-07-03. Review status: criteria provided, single submitter. Criteria: ACMG Guidelines, 2015. Collection method: clinical testing. Allele origin: germline. Affected: no.

Eurofins Ntd Llc (ga)
Classification: Uncertain significance. Last evaluated: 2016-09-08. Review status: criteria provided, single submitter. Criteria: EGL Classification Definitions 2015. Collection method: clinical testing. Allele origin: germline. Observed: 3 variant alleles, 3 heterozygotes.

Natera, Inc.
Classification: Uncertain significance for Meckel syndrome type 1. Last evaluated: 2020-03-24. Review status: no assertion criteria provided. Collection method: clinical testing. Allele origin: germline. Not counted in ClinVar's aggregate classification.

Literature cited by the submitters: PubMed 19466712 (cited by 4 submitters).

NM_017777.4(MKS1):c.496C>T (p.Arg166Trp)

Gene: MKS1 (MKS transition zone complex subunit 1; minus strand). Cytogenetic location: 17q22.
Variant type: single nucleotide variant.
Coding change: c.496C>T on transcript NM_017777.4 (MANE Select); coding-DNA position 496, C replaced by T.
Protein change: p.Arg166Trp; replaces arginine 166 with tryptophan.
Molecular consequence: missense variant. On other transcripts: intron variant (1).
Genome position (GRCh38, 1-based): chr17:58,214,760, G>A on the plus strand (C>T on the coding strand, the complement: MKS1 is on the minus strand). VCF-style: chr17-58214760-G-A. GRCh37 (hg19) VCF-style: chr17-56292121-G-A.
Other names: p.Arg166Trp; c.496C>T, p.Arg166Trp (NM_001321269.2, NM_001330397.2); c.-94-373C>T (NM_001321268.2); short protein forms R166W.
Identifiers: ClinVar variation 291155 (VCV000291155.27), dbSNP rs201845154, ClinGen allele CA8669504.